The following is an entry in ClinVar:

NM_152701.5(ABCA13):c.14430C>T (p.Asp4810=)

Gene: ABCA13 (ATP binding cassette subfamily A member 13; plus strand). Cytogenetic location: 7p12.3.
Variant type: single nucleotide variant.
Coding change: c.14430C>T on transcript NM_152701.5 (MANE Select); coding-DNA position 14430, C replaced by T.
Protein change: p.Asp4810=; no amino-acid change (aspartic acid 4810 retained).
Molecular consequence: synonymous variant.
Genome position (GRCh38, 1-based): chr7:48,580,299, C>T. VCF-style: chr7-48580299-C-T. GRCh37 (hg19) VCF-style: chr7-48619895-C-T.
Identifiers: ClinVar variation 2657494 (VCV002657494.24), dbSNP rs577655763, ClinGen allele CA4259649.

ClinVar aggregate classification (germline): Likely benign (1 of 4 stars; one submission).

Allele frequency attached by ClinVar (database versions not stated): ExAC 0.00005; gnomAD 0.00007; gnomAD exomes 0.00010; TOPMed 0.00010; 1000 Genomes Project 0.00020; 1000 Genomes Project 30x 0.00031.
gnomAD v4.1: 155 of 1,612,674 alleles (0.0096%); highest among the groups gnomAD compares: African/African-American, 0.019%; no homozygotes.

Submission:

CeGaT Center for Human Genetics Tuebingen
Classification: Likely benign. Last evaluated: 2022-08-01. Review status: criteria provided, single submitter. Criteria: CeGaT Center For Human Genetics Tuebingen Variant Classification Criteria Version 2. Collection method: clinical testing. Allele origin: germline. Affected: yes. Observed: 1 variant allele.
Comment: ABCA13: BP4, BP7